The following is an entry in ClinVar:

NM_004655.4(AXIN2):c.2068C>A (p.Pro690Thr)

Gene: AXIN2 (axin 2; minus strand). Cytogenetic location: 17q24.1.
Variant type: single nucleotide variant.
Coding change: c.2068C>A on transcript NM_004655.4 (MANE Select); coding-DNA position 2068, C replaced by A.
Protein change: p.Pro690Thr; replaces proline 690 with threonine.
Molecular consequence: missense variant.
Genome position (GRCh38, 1-based): chr17:65,536,393, G>T on the plus strand (C>A on the coding strand, the complement: AXIN2 is on the minus strand). VCF-style: chr17-65536393-G-T. GRCh37 (hg19) VCF-style: chr17-63532511-G-T.
Other names: c.1873C>A, p.Pro625Thr (NM_001363813.1); short protein forms P625T, P690T.
Identifiers: ClinVar variation 2100163 (VCV002100163.4), dbSNP rs770199204, ClinGen allele CA400676053.

ClinVar aggregate classification (germline): Uncertain significance (1 of 4 stars; one submission).

Conditions:
Oligodontia-cancer predisposition syndrome. Also called: TOOTH AGENESIS-COLORECTAL CANCER SYNDROME. Identifiers: Orphanet 300576, MedGen C1837750, MONDO:0012075, OMIM 608615. Disease mechanism: loss of function.

Submission:

Labcorp Genetics (formerly Invitae), Labcorp
Classification: Uncertain significance for Oligodontia-cancer predisposition syndrome. Last evaluated: 2022-03-03. Review status: criteria provided, single submitter. Criteria: Invitae Variant Classification Sherloc (09022015). Collection method: clinical testing. Allele origin: germline.
Comment: In summary, the available evidence is currently insufficient to determine the role of this variant in disease. Therefore, it has been classified as a Variant of Uncertain Significance. Algorithms developed to predict the effect of missense changes on protein structure and function are either unavailable or do not agree on the potential impact of this missense change (SIFT: "Deleterious"; PolyPhen-2: "Possibly Damaging"; Align-GVGD: "Class C0"). This variant has not been reported in the literature in individuals affected with AXIN2-related conditions. This variant is not present in population databases (gnomAD no frequency). This sequence change replaces proline, which is neutral and non-polar, with threonine, which is neutral and polar, at codon 690 of the AXIN2 protein (p.Pro690Thr).